The following is an entry in ClinVar:

NM_152594.3(SPRED1):c.922T>G (p.Ser308Ala)

Gene: SPRED1 (sprouty related EVH1 domain containing 1; plus strand). Cytogenetic location: 15q14.
Variant type: single nucleotide variant.
Coding change: c.922T>G on transcript NM_152594.3 (MANE Select); coding-DNA position 922, T replaced by G.
Protein change: p.Ser308Ala; replaces serine 308 with alanine.
Molecular consequence: missense variant.
Genome position (GRCh38, 1-based): chr15:38,351,251, T>G. VCF-style: chr15-38351251-T-G. GRCh37 (hg19) VCF-style: chr15-38643452-T-G.
Other names: short protein forms S308A.
Identifiers: ClinVar variation 1444853 (VCV001444853.8), dbSNP rs765841849, ClinGen allele CA7470204.

ClinVar aggregate classification (germline): Conflicting classifications of pathogenicity. Review status: criteria provided, conflicting classifications (1 of 4 stars). 2 submissions from 2 submitters: Uncertain significance (1); Likely benign (1). Last evaluated 2025-12-19.

Conditions:
Legius syndrome. Identifiers: Orphanet 137605, MedGen C1969623, MONDO:0012669, OMIM 611431. Disease mechanism: loss of function.
Cardiovascular phenotype. Identifiers: MedGen CN230736.

Allele frequency attached by ClinVar (database versions not stated): gnomAD exomes 0.00001.
gnomAD v4.1: 14 of 1,613,972 alleles (0.00087%); highest among the groups gnomAD compares: South Asian, 0.015%; no homozygotes.

Submissions (2):

Labcorp Genetics (formerly Invitae), Labcorp
Classification: Uncertain significance for Legius syndrome. Last evaluated: 2025-12-19. Review status: criteria provided, single submitter. Criteria: Invitae Variant Classification Sherloc (09022015). Collection method: clinical testing. Allele origin: germline.
Comment: This sequence change replaces serine, which is neutral and polar, with alanine, which is neutral and non-polar, at codon 308 of the SPRED1 protein (p.Ser308Ala). This variant is present in population databases (rs765841849, gnomAD 0.01%). This variant has not been reported in the literature in individuals affected with SPRED1-related conditions. ClinVar contains an entry for this variant (Variation ID: 1444853). Invitae Evidence Modeling incorporating data from in vitro experimental studies (internal data) indicates that this missense variant is not expected to disrupt SPRED1 function with a negative predictive value of 95%. In summary, the available evidence is currently insufficient to determine the role of this variant in disease. Therefore, it has been classified as a Variant of Uncertain Significance.

Ambry Genetics
Classification: Likely benign for Cardiovascular phenotype. Last evaluated: 2022-10-02. Review status: criteria provided, single submitter. Criteria: Ambry Variant Classification Scheme 2023. Collection method: clinical testing. Allele origin: germline.